The following is an entry in ClinVar:

NM_000371.4(TTR):c.190T>C (p.Phe64Leu)

Gene: TTR (transthyretin; plus strand). Cytogenetic location: 18q12.1.
Variant type: single nucleotide variant.
Coding change: c.190T>C on transcript NM_000371.4 (MANE Select); coding-DNA position 190, T replaced by C.
Protein change: p.Phe64Leu; replaces phenylalanine 64 with leucine.
Molecular consequence: missense variant.
Genome position (GRCh38, 1-based): chr18:31,593,016, T>C. VCF-style: chr18-31593016-T-C. GRCh37 (hg19) VCF-style: chr18-29172979-T-C.
Other names: short protein forms F64L.
Identifiers: ClinVar variation 178280 (VCV000178280.31), dbSNP rs138065384, ClinGen allele CA182025.
Genomic context (GRCh38, chr18:31,593,016, plus strand): 5'-CCTGCCATCAATGTGGCCGTGCATGTGTTCAGAAAGGCTGCTGATGACACCTGGGAGCCA[T>C]TTGCCTCTGGGTAAGTTGCCAAAGAACCCTCCCACAGGACTTGGTTTTATCTTCCCGTTT-3'
Protein context (NP_000362.1, residues 54-74): RKAADDTWEP[Phe64Leu]ASGKTSESGE

ClinVar aggregate classification (germline): Conflicting classifications of pathogenicity. Review status: criteria provided, conflicting classifications (1 of 4 stars). 13 submissions from 13 submitters: Likely pathogenic (2); Uncertain significance (9); Likely benign (2). Last evaluated 2026-06-15.

Conditions:
Hyperthyroxinemia, dystransthyretinemic. Also called: HYPERTHYROXINEMIA, DYSPREALBUMINEMIC; EUTHRYROIDAL HYPERTHYROXINEMIA 2. Identifiers: MedGen C2750824, MONDO:0007785, OMIM 145680.
Carpal tunnel syndrome 1 (CTS1). Also called: Carpal tunnel syndrome, familial. Identifiers: MedGen C5779776, MONDO:0020730, OMIM 115430.
Amyloidosis, hereditary systemic 1 (AMYLD1). Also called: Isolated Cardiac Amyloidosis; Amyloid Cardiomyopathy, Transthyretin-related; Hereditary oculoleptomeningeal amyloid angiopathy; Familial Transthyretin Amyloidosis; AMYLOID CARDIOMYOPATHY; Hereditary Transthyretin Amyloidosis. Identifiers: Orphanet 85447, Orphanet 85451, MedGen C2751492, MONDO:0971004, OMIM 105210.
TTR-related disorder. Also called: TTR-related disorders; TTR-related condition.
Charcot-Marie-Tooth disease. Also called: Charcot-Marie-Tooth Hereditary Neuropathy; Charcot-Marie-Tooth Neuropathy. Identifiers: Orphanet 166, MedGen C0007959, MONDO:0015626.
Cardiovascular phenotype. Identifiers: MedGen CN230736.
Cardiomyopathy (CMYO). Also called: Cardiomyopathies. Identifiers: Orphanet 167848, MedGen C0878544, MONDO:0004994, HP:0001638. Inheritance: Various modes of inheritance.

Allele frequency attached by ClinVar (database versions not stated): gnomAD exomes 0.00001 and 0.00004; 1000 Genomes Project 30x 0.00031; ExAC 0.00006; gnomAD 0.00016 and 0.00019; TOPMed 0.00016; 1000 Genomes Project 0.00020; ESP Exome Variant Server 0.00023.
gnomAD v4.1: 44 of 1,613,894 alleles (0.0027%); highest among the groups gnomAD compares: African/African-American, 0.057%; no homozygotes.

Submissions 1 to 9 of 13:

PreventionGenetics, part of Exact Sciences
Classification: Uncertain significance for TTR-related condition. Last evaluated: 2026-06-15. Review status: criteria provided, single submitter. Criteria: ACMG Guidelines, 2015. Collection method: clinical testing. Allele origin: germline.
Comment: The TTR c.190T>C variant is predicted to result in the amino acid substitution p.Phe64Leu. This variant, alternatively referred to as p.Phe44Leu in legacy nomenclature, has been reported in the compound heterozygous state with the established pathogenic p.Val142Ile variant in individuals with hereditary amyloidosis (Connors et al. 2009. PubMed ID: 19781421; Brown et al. 2017. PubMed ID: 28494620). It has also been reported in two individuals diagnosed with or undergoing testing for hypertrophic cardiomyopathy; however, in both instances the variant was considered to be of uncertain significance (Table S1B, Walsh et al. 2017. PubMed ID: 27532257; Table S1, Hoss et al. 2020. PubMed ID: 32150461). It has also been reported in an individual with Charot-Marie-Tooth disease (Table S2, Volodarsky et al. 2021. PubMed ID: 32376792) and in a self-declared healthy adult (Table S4, Rasouly et al. 2019. PubMed ID: 30476936). This variant is reported in 0.056% of alleles in individuals of African descent in gnomAD and has conflicting interpretations of pathogenicity in ClinVar ranging from likely benign to likely pathogenic (ClinVar ID: 178280). An alternate nucleotide change affecting the same amino acid p.Phe64Ser has been reported to be causative for hereditary amyloidosis and classified as likely pathogenic/pathogenic in ClinVar (Tao et al. 2022. PubMed ID: 34939525; ClinVar ID: 13461). At this time, the clinical significance of the c.190T>C (p.Phe64Leu) variant is uncertain due to the absence of conclusive functional and genetic evidence.

Labcorp Genetics (formerly Invitae), Labcorp
Classification: Likely benign for Amyloidosis, hereditary systemic 1. Last evaluated: 2026-01-27. Review status: criteria provided, single submitter. Criteria: Invitae Variant Classification Sherloc (09022015). Collection method: clinical testing. Allele origin: germline.

Ambry Genetics
Classification: Uncertain significance for Cardiovascular phenotype. Last evaluated: 2026-01-02. Review status: criteria provided, single submitter. Criteria: Ambry Variant Classification Scheme 2023. Collection method: clinical testing. Allele origin: germline.
Comment: The p.F64L variant (also known as c.190T>C), located in coding exon 2 of the TTR gene, results from a T to C substitution at nucleotide position 190. The phenylalanine at codon 64 is replaced by leucine, an amino acid with highly similar properties. This variant was reported in individual(s) with amyloidosis, though additional disease-related variants were also detected (Connors LH et al. Am. Heart J., 2009 Oct;158:607-14; Luigetti M et al. Amyloid, 2018 Dec;25:261-262). This variant was also reported in one individual from a hypertrophic cardiomyopathy (HCM) cohort; however, clinical details were limited (Walsh R et al. Genet. Med., 2017 02;19:192-203). Note, this variant is also referred to as p.F44L in the literature. This amino acid position is well conserved in available vertebrate species. In addition, this alteration is predicted to be deleterious by in silico analysis. Based on the available evidence, the clinical significance of this variant remains unclear.

Athena Diagnostics
Classification: Uncertain significance. Last evaluated: 2025-02-12. Review status: criteria provided, single submitter. Criteria: Athena Diagnostics Criteria. Collection method: clinical testing. Allele origin: unknown.
Comment: Available data are insufficient to determine the clinical significance of the variant at this time. The frequency of this variant in the general population is uninformative in assessment of its pathogenicity (Genome Aggregation Database (gnomAD), Cambridge, MA (URL)). This variant has been identified in multiple unrelated individuals with hereditary transthyretin-related amyloidosis, including individuals with cardiac transthyretin amyloidosis. This variant is also referred to as F44L in published literature. Polyphen and MutationTaster yielded discordant predictions regarding whether this amino acid change is damaging to the protein. At least one other missense variant at this codon is considered to be pathogenic or likely pathogenic, suggesting this variant may also cause disease.

GeneDx
Classification: Uncertain significance. Last evaluated: 2025-01-30. Review status: criteria provided, single submitter. Criteria: GeneDx Variant Classification Process June 2021. Collection method: clinical testing. Allele origin: germline. Affected: yes.
Comment: In silico analysis indicates that this missense variant does not alter protein structure/function; Also known as F44L; This variant is associated with the following publications: (PMID: 19781421, 24184229, 16448460, 30638075, 33728572, 25044787, 30476936, 17503405, PiankovI2024[Preprint], 39655870, 32376792, 38523305, 36648052, VergaroG2023[Article], 32150461, 27532257, 31864976, 34410494, 28494620)

Mayo Clinic Laboratories, Mayo Clinic
Classification: Uncertain significance. Last evaluated: 2024-11-20. Review status: criteria provided, single submitter. Criteria: ACMG Guidelines, 2015. Collection method: clinical testing. Allele origin: germline. Observed: 2 variant alleles.
Comment: BP2, BP5, PM5, PS4_moderate

Women's Health and Genetics/Laboratory Corporation of America, LabCorp
Classification: Likely benign. Last evaluated: 2024-06-20. Review status: criteria provided, single submitter. Criteria: LabCorp Variant Classification Summary - May 2015. Collection method: clinical testing. Allele origin: germline.
Comment: Variant summary: TTR c.190T>C (p.Phe64Leu) results in a non-conservative amino acid change in the encoded protein sequence. Three of five in-silico tools predict a benign effect of the variant on protein function. The variant allele was found at a frequency of 4.4e-05 in 251466 control chromosomes, predominantly at a frequency of 0.00062 within the African or African-American subpopulation in the gnomAD database. The observed variant frequency within African or African-American control individuals in the gnomAD database is approximately 12 fold of the estimated maximal expected allele frequency for a pathogenic variant in TTR causing Isolated Cardiac Amyloidosis phenotype (5e-05). c.190T>C has been reported in the literature in individuals affected with Isolated Cardiac Amyloidosis or cardiomyopathy, as well as unaffected carriers (e.g. Connors_2009, Walsh_2017, Musumeci_2020). These reports do not provide unequivocal conclusions about association of the variant with Isolated Cardiac Amyloidosis. Co-occurrence with another pathogenic variant has been reported (TTR c.424G>A, p.Val142Ile, Connors_2009), providing supporting evidence for a benign role. At least one publication reports experimental evidence evaluating an impact on protein function, however, does not allow convincing conclusions about the variant effect (Altland_2007). The following publications have been ascertained in the context of this evaluation (PMID: 19781421, 17503405, 27532257, 31864976). ClinVar contains an entry for this variant (Variation ID: 178280). Based on the evidence outlined above, the variant was classified as likely benign.

Fulgent Genetics
Classification: Uncertain significance for Amyloidosis, hereditary systemic 1; Carpal tunnel syndrome 1; Hyperthyroxinemia, dystransthyretinemic. Last evaluated: 2024-03-03. Review status: criteria provided, single submitter. Criteria: ACMG Guidelines, 2015. Collection method: clinical testing. Allele origin: germline.

Institute of Immunology and Genetics Kaiserslautern
Classification: Likely pathogenic for Amyloidosis, hereditary systemic 1. Last evaluated: 2023-07-03. Review status: criteria provided, single submitter. Criteria: ACMG Guidelines, 2015. Collection method: clinical testing. Allele origin: germline. Affected: yes.
Comment: ACMG Citeria: PM2, PM5, PP5, PS3_M; Variant found in a heterozygous state